The following is an entry in ClinVar:

NM_000038.6(APC):c.841A>T (p.Thr281Ser)

Gene: APC (APC regulator of Wnt signaling pathway; plus strand). Cytogenetic location: 5q22.2.
Variant type: single nucleotide variant.
Coding change: c.841A>T on transcript NM_000038.6 (MANE Select); coding-DNA position 841, A replaced by T.
Protein change: p.Thr281Ser; replaces threonine 281 with serine.
Molecular consequence: missense variant. On other transcripts: 5 prime UTR variant (1).
Genome position (GRCh38, 1-based): chr5:112,815,501, A>T. VCF-style: chr5-112815501-A-T. GRCh37 (hg19) VCF-style: chr5-112151198-A-T.
Other names: c.841A>T, p.Thr281Ser (NM_001127510.3, NM_001354895.2, NM_001354896.2 and 1 more transcripts); c.787A>T, p.Thr263Ser (NM_001127511.3); c.871A>T, p.Thr291Ser (NM_001354897.2, NM_001354902.2); c.766A>T, p.Thr256Ser (NM_001354898.2, NM_001354904.2); c.757A>T, p.Thr253Ser (NM_001354899.2); c.664A>T, p.Thr222Ser (NM_001354900.2, NM_001354901.2, NM_001354905.2); c.-9A>T (NM_001354906.2); short protein forms T263S, T281S, T253S, T291S, T222S, T256S.
Identifiers: ClinVar variation 216187 (VCV000216187.19), dbSNP rs769727966, ClinGen allele CA050769.
Genomic context (GRCh38, chr5:112,815,501, plus strand): 5'-TCTGTATTTACCTATAGTCTAAATTATACCATCTATAATGTGCTTAATTTTTAGGGTTCA[A>T]CTACACGAATGGACCATGAAACAGCCAGTGTTTTGAGTTCTAGTAGCACACACTCTGCAC-3'
Protein context (NP_000029.2, residues 271-291): MATSGNGQGS[Thr281Ser]TRMDHETASV

ClinVar aggregate classification (germline): Uncertain significance. Review status: criteria provided, multiple submitters, no conflicts (2 of 4 stars). 4 submissions from 4 submitters: Uncertain significance (4). Last evaluated 2025-09-19.

Conditions:
Classic or attenuated familial adenomatous polyposis. Identifiers: MedGen CN372698, MONDO:0021057.
Hereditary cancer-predisposing syndrome. Also called: Hereditary Cancer Syndrome; Hereditary neoplastic syndrome; Neoplastic Syndromes, Hereditary; Tumor predisposition. Identifiers: Orphanet 140162, MedGen C0027672, MeSH D009386, MONDO:0015356.
Familial adenomatous polyposis 1 (FAP1). Also called: FAMILIAL ADENOMATOUS POLYPOSIS 1, ATTENUATED; POLYPOSIS, ADENOMATOUS INTESTINAL. Identifiers: MedGen C2713442, MONDO:0021056, OMIM 175100. Disease mechanism: loss of function.

Allele frequency attached by ClinVar (database versions not stated): TOPMed 0.00002; gnomAD 0.00003.

Submissions (4):

Ambry Genetics
Classification: Uncertain significance for Hereditary cancer-predisposing syndrome. Last evaluated: 2025-09-19. Review status: criteria provided, single submitter. Criteria: Ambry Variant Classification Scheme 2023. Collection method: clinical testing. Allele origin: germline.
Comment: The p.T281S variant (also known as c.841A>T), located in coding exon 8 of the APC gene, results from an A to T substitution at nucleotide position 841. The threonine at codon 281 is replaced by serine, an amino acid with similar properties. This amino acid position is poorly conserved in available vertebrate species. In addition, in silico predictors for this gene do not accurately predict pathogenicity. Since supporting evidence is limited at this time, the clinical significance of this alteration remains unclear.

Labcorp Genetics (formerly Invitae), Labcorp
Classification: Uncertain significance for Familial adenomatous polyposis 1. Last evaluated: 2024-09-28. Review status: criteria provided, single submitter. Criteria: Invitae Variant Classification Sherloc (09022015). Collection method: clinical testing. Allele origin: germline.
Comment: This sequence change replaces threonine, which is neutral and polar, with serine, which is neutral and polar, at codon 281 of the APC protein (p.Thr281Ser). This variant is present in population databases (rs769727966, gnomAD 0.008%). This variant has not been reported in the literature in individuals affected with APC-related conditions. ClinVar contains an entry for this variant (Variation ID: 216187). Invitae Evidence Modeling of protein sequence and biophysical properties (such as structural, functional, and spatial information, amino acid conservation, physicochemical variation, residue mobility, and thermodynamic stability) indicates that this missense variant is not expected to disrupt APC protein function with a negative predictive value of 95%. In summary, the available evidence is currently insufficient to determine the role of this variant in disease. Therefore, it has been classified as a Variant of Uncertain Significance.

Women's Health and Genetics/Laboratory Corporation of America, LabCorp
Classification: Uncertain significance. Last evaluated: 2024-07-11. Review status: criteria provided, single submitter. Criteria: LabCorp Variant Classification Summary - May 2015. Collection method: clinical testing. Allele origin: germline.

All of Us Research Program, National Institutes of Health
Classification: Uncertain significance for Classic or attenuated familial adenomatous polyposis. Last evaluated: 2024-02-22. Review status: criteria provided, single submitter. Criteria: ACMG Guidelines, 2015. Collection method: clinical testing. Allele origin: germline. Inheritance: Autosomal dominant inheritance. Observed: 1 variant allele, 1 heterozygote.
Comment: This missense variant replaces threonine with serine at codon 281 of the APC protein. Computational prediction suggests that this variant may not impact protein structure and function (internally defined REVEL score threshold <= 0.5, PMID: 27666373). To our knowledge, functional studies have not been reported for this variant. This variant has not been reported in individuals affected with APC-related disorders in the literature. This variant has been identified in 2/282434 chromosomes in the general population by the Genome Aggregation Database (gnomAD). The available evidence is insufficient to determine the role of this variant in disease conclusively. Therefore, this variant is classified as a Variant of Uncertain Significance.

This study involves interpretation of variants in research participants for the purpose of population health screening. Participant phenotype was not available at the time of variant classification. Additional details can be found in publication PMID: 35346344, PMCID: PMC8962531